The following is an entry in ClinVar:

NM_001363118.2(SLC52A2):c.217C>T (p.Pro73Ser)

Gene: SLC52A2 (solute carrier family 52 member 2; plus strand). Cytogenetic location: 8q24.3.
Variant type: single nucleotide variant.
Coding change: c.217C>T on transcript NM_001363118.2 (MANE Select); coding-DNA position 217, C replaced by T.
Protein change: p.Pro73Ser; replaces proline 73 with serine.
Molecular consequence: missense variant. On other transcripts: non-coding transcript variant (1), intron variant (1).
Genome position (GRCh38, 1-based): chr8:144,359,709, C>T. VCF-style: chr8-144359709-C-T. GRCh37 (hg19) VCF-style: chr8-145583369-C-T.
Other names: c.217C>T, p.Pro73Ser (NM_001253815.2, NM_001253816.2, NM_001363120.2 and 2 more transcripts); c.130+286C>T (NM_001363122.2); c.217C>T (NM_001253816.1); short protein forms P73S.
Identifiers: ClinVar variation 642607 (VCV000642607.4), dbSNP rs782022070, ClinGen allele CA4938144.

ClinVar aggregate classification (germline): Conflicting classifications of pathogenicity. Review status: criteria provided, conflicting classifications (1 of 4 stars). 2 submissions from 2 submitters: Uncertain significance (1); Likely benign (1). Last evaluated 2026-03-09.

Conditions:
SLC52A2-related disorder. Also called: SLC52A2-related condition.
Brown-Vialetto-van Laere syndrome 2. Also called: SPINOCEREBELLAR ATAXIA WITH BLINDNESS AND DEAFNESS 2; Riboflavin transporter deficiency type 2. Identifiers: Orphanet 572543, Orphanet 97229, MedGen C3553538, MONDO:0013867, OMIM 614707.

Allele frequency attached by ClinVar (database versions not stated): gnomAD exomes 0.00003 and 0.00013; TOPMed 0.00006; ExAC 0.00015.
gnomAD v4.1: 52 of 1,613,622 alleles (0.0032%); highest among the groups gnomAD compares: East Asian, 0.1%; no homozygotes.

Submissions (2):

PreventionGenetics, part of Exact Sciences
Classification: Likely benign for SLC52A2-related condition. Last evaluated: 2026-03-09. Review status: criteria provided, single submitter. Criteria: ACMG Guidelines, 2015. Collection method: clinical testing. Allele origin: germline.
Comment: This variant is classified as likely benign based on ACMG/AMP sequence variant interpretation guidelines (Richards et al. 2015 PMID: 25741868, with internal and published modifications).

Labcorp Genetics (formerly Invitae), Labcorp
Classification: Uncertain significance for Brown-Vialetto-van Laere syndrome 2. Last evaluated: 2022-10-24. Review status: criteria provided, single submitter. Criteria: Invitae Variant Classification Sherloc (09022015). Collection method: clinical testing. Allele origin: germline.
Comment: This sequence change replaces proline, which is neutral and non-polar, with serine, which is neutral and polar, at codon 73 of the SLC52A2 protein (p.Pro73Ser). This variant is present in population databases (rs782022070, gnomAD 0.2%). This variant has not been reported in the literature in individuals affected with SLC52A2-related conditions. ClinVar contains an entry for this variant (Variation ID: 642607). Advanced modeling of protein sequence and biophysical properties (such as structural, functional, and spatial information, amino acid conservation, physicochemical variation, residue mobility, and thermodynamic stability) performed at Invitae indicates that this missense variant is not expected to disrupt SLC52A2 protein function. In summary, the available evidence is currently insufficient to determine the role of this variant in disease. Therefore, it has been classified as a Variant of Uncertain Significance.